The following is an entry in ClinVar:

NM_000687.4(AHCY):c.145C>T (p.Arg49Cys)

Gene: AHCY (adenosylhomocysteinase; minus strand). Cytogenetic location: 20q11.22.
Variant type: single nucleotide variant.
Coding change: c.145C>T on transcript NM_000687.4 (MANE Select); coding-DNA position 145, C replaced by T.
Protein change: p.Arg49Cys; replaces arginine 49 with cysteine.
Molecular consequence: missense variant.
Genome position (GRCh38, 1-based): chr20:34,295,469, G>A on the plus strand (C>T on the coding strand, the complement: AHCY is on the minus strand). VCF-style: chr20-34295469-G-A. GRCh37 (hg19) VCF-style: chr20-32883275-G-A.
Other names: AHCY, ARG49CYS; c.61C>T, p.Arg21Cys (NM_001161766.2, NM_001322084.2, NM_001322085.2); c.151C>T, p.Arg51Cys (NM_001322086.2); c.145C>T, p.Arg49Cys (NM_001362750.2); short protein forms R21C, R49C, R51C.
Identifiers: ClinVar variation 985503 (VCV000985503.10), dbSNP rs369428934, ClinGen allele CA9821127.

ClinVar aggregate classification (germline): Pathogenic/Likely pathogenic. Review status: criteria provided, multiple submitters, no conflicts (2 of 4 stars). 5 submissions from 5 submitters: Pathogenic (2); Likely pathogenic (2). 1 of the submissions does not count toward it. Last evaluated 2024-04-07.

Conditions:
Inborn genetic diseases. Identifiers: MedGen C0950123, MeSH D030342.
Hypermethioninemia with deficiency of S-adenosylhomocysteine hydrolase. Identifiers: Orphanet 88618, MedGen C3151058, MONDO:0013404, OMIM 613752.

Allele frequency attached by ClinVar (database versions not stated): TOPMed 0.00002; ExAC 0.00003; gnomAD exomes 0.00003; ESP Exome Variant Server 0.00008; gnomAD 0.00001.
gnomAD v4.1: 25 of 1,614,002 alleles (0.0015%); highest among the groups gnomAD compares: African/African-American, 0.004%; no homozygotes.

Submissions (5):

Labcorp Genetics (formerly Invitae), Labcorp
Classification: Pathogenic for Hypermethioninemia with deficiency of S-adenosylhomocysteine hydrolase. Last evaluated: 2024-04-07. Review status: criteria provided, single submitter. Criteria: Invitae Variant Classification Sherloc (09022015). Collection method: clinical testing. Allele origin: germline.
Comment: This sequence change replaces arginine, which is basic and polar, with cysteine, which is neutral and slightly polar, at codon 49 of the AHCY protein (p.Arg49Cys). This variant is present in population databases (rs369428934, gnomAD 0.008%). This missense change has been observed in individual(s) with adenosylhomocysteine hydrolase deficiency (PMID: 19177456, 20852937, 22959829). In at least one individual the data is consistent with being in trans (on the opposite chromosome) from a pathogenic variant. ClinVar contains an entry for this variant (Variation ID: 985503). Advanced modeling of protein sequence and biophysical properties (such as structural, functional, and spatial information, amino acid conservation, physicochemical variation, residue mobility, and thermodynamic stability) performed at Invitae indicates that this missense variant is not expected to disrupt AHCY protein function with a negative predictive value of 80%. Experimental studies have shown that this missense change affects AHCY function (PMID: 19177456). For these reasons, this variant has been classified as Pathogenic.

Fulgent Genetics
Classification: Likely pathogenic for Hypermethioninemia with deficiency of S-adenosylhomocysteine hydrolase. Last evaluated: 2024-01-15. Review status: criteria provided, single submitter. Criteria: ACMG Guidelines, 2015. Collection method: clinical testing. Allele origin: germline.

Dasa
Classification: Pathogenic for Hypermethioninemia with deficiency of S-adenosylhomocysteine hydrolase. Last evaluated: 2022-01-05. Review status: criteria provided, single submitter. Criteria: ACMG Guidelines, 2015. Collection method: clinical testing. Allele origin: germline. Affected: yes. Observed: 1 variant allele.
Comment: The c.145C>T;p.(Arg49Cys) missense variant has been observed in affected individual(s) and ClinVar contains an entry for this variant (ClinVar ID: 985503; PMID: 28647132; 22959829; 20852937; 19177456) - PS4. Well-established in vitro or in vivo functional studies support a damaging effect on the gene or gene product (PMID: 19177456, 28647132) - PS3. The variant is present at low allele frequencies population databases (rs369428934– gnomAD 0.0001314%; ABraOM no frequency) - PM2_supporting. The p.(Arg49Cys) was detected in trans with a pathogenic variant (PMID: 22959829; 20852937) - PM3. Multiple lines of computational evidence support a deleterious effect on the gene or gene product - PP3. In summary, the currently available evidence indicates that the variant is pathogenic.

Ambry Genetics
Classification: Likely pathogenic for Inborn genetic diseases. Last evaluated: 2018-11-21. Review status: criteria provided, single submitter. Criteria: Ambry exome assertion method (8-5-2015). Collection method: clinical testing. Allele origin: germline. Affected: yes. Observed: 1 variant allele.

OMIM
Classification: Pathogenic for HYPERMETHIONINEMIA WITH S-ADENOSYLHOMOCYSTEINE HYDROLASE DEFICIENCY. Last evaluated: 2024-03-01. Review status: no assertion criteria provided. Collection method: literature only. Allele origin: germline. Not counted in ClinVar's aggregate classification.

Literature cited by the submitters: PubMed 19177456 (cited by 3 submitters); PubMed 20852937 (cited by 4 submitters); PubMed 22959829 (cited by 3 submitters); PubMed 28647132 (cited by Dasa and Ambry Genetics); PubMed 20385918 (cited by Dasa); PubMed 25660390 (cited by Dasa).